The following is an entry in ClinVar:

ClinVar aggregate classification (germline): Uncertain significance (1 of 4 stars; one submission).

Conditions:
Familial cancer of breast. Also called: Hereditary breast cancer; BREAST CANCER, FAMILIAL; hereditary breast carcinoma. Identifiers: Orphanet 227535, MedGen C0346153, MONDO:0016419, OMIM 114480. Disease mechanism: loss of function.

Submission:

Labcorp Genetics (formerly Invitae), Labcorp
Classification: Uncertain significance for Familial cancer of breast. Last evaluated: 2023-10-10. Review status: criteria provided, single submitter. Criteria: Invitae Variant Classification Sherloc (09022015). Collection method: clinical testing. Allele origin: germline.
Comment: This variant, c.557_559del, results in the deletion of 1 amino acid(s) of the CHEK2 protein (p.Asn186_Ser187delinsThr), but otherwise preserves the integrity of the reading frame. This variant is not present in population databases (gnomAD no frequency). This variant has not been reported in the literature in individuals affected with CHEK2-related conditions. Experimental studies and prediction algorithms are not available or were not evaluated, and the functional significance of this variant is currently unknown. In summary, the available evidence is currently insufficient to determine the role of this variant in disease. Therefore, it has been classified as a Variant of Uncertain Significance.

NM_007194.4(CHEK2):c.557_559del (p.Asn186_Ser187delinsThr)

Gene: CHEK2 (checkpoint kinase 2; minus strand). Cytogenetic location: 22q12.1.
Variant type: Deletion.
Coding change: c.557_559del on transcript NM_007194.4 (MANE Select); coding-DNA positions 557 to 559, 3 bases deleted (ATT; older notation c.557_559delATT).
Protein change: p.Asn186_Ser187delinsThr.
Molecular consequence: inframe indel. On other transcripts: intron variant (1), 5 prime UTR variant (2).
Genome position (GRCh38, 1-based): chr22:28,725,010-28,725,012, AAT deleted on the plus strand (ATT on the coding strand, the reverse complement: CHEK2 is on the minus strand). VCF-style (leftmost placement, unchanged base first): chr22-28725009-GAAT-G. GRCh37 (hg19) VCF-style: chr22-29120997-GAAT-G.
Other names: c.650_652del, p.Asn217_Ser218delinsThr (NM_001438295.1, NM_001438293.1); c.686_688del, p.Asn229_Ser230delinsThr (NM_001438294.1, NM_001005735.3); c.557_559del, p.Asn186_Ser187delinsThr (NM_145862.3); c.445-89_445-87del (NM_001349956.3); c.-221_-219del (NM_001257387.3); c.-107_-105del (NM_001437942.1).
Identifiers: ClinVar variation 2766633 (VCV002766633.3), dbSNP rs2518051074, ClinGen allele CA2697552623.
Genomic context (GRCh38, chr22:28,725,009, plus strand): 5'-TCCAGTAACCATAAGATAATAATATTACCTTTATTTCTGCTTAGTGACAGTGCAATTTCA[GAAT>G]TGTTATTCAAAGGACGGCGTTTTCCTTTCCCTACAAGCTCTGTATTTACAAAGGTTCCAT-3'